The following is an entry in ClinVar:

ClinVar aggregate classification (germline): Uncertain significance (1 of 4 stars; one submission).

Conditions:
Hypertrophic cardiomyopathy. Also called: HYPERTROPHIC MYOCARDIOPATHY. Identifiers: Orphanet 217569, MedGen C0007194, MeSH D002312, MONDO:0005045, HP:0001639.

Allele frequency attached by ClinVar (database versions not stated): ExAC 0.00001.

Submission:

Labcorp Genetics (formerly Invitae), Labcorp
Classification: Uncertain significance for Hypertrophic cardiomyopathy. Last evaluated: 2022-07-22. Review status: criteria provided, single submitter. Criteria: Invitae Variant Classification Sherloc (09022015). Collection method: clinical testing. Allele origin: germline.
Comment: In summary, the available evidence is currently insufficient to determine the role of this variant in disease. Therefore, it has been classified as a Variant of Uncertain Significance. Algorithms developed to predict the effect of missense changes on protein structure and function are either unavailable or do not agree on the potential impact of this missense change (SIFT: "Deleterious"; PolyPhen-2: "Benign"; Align-GVGD: "Class C0"). This variant has not been reported in the literature in individuals affected with MYOM1-related conditions. This variant is not present in population databases (gnomAD no frequency). This sequence change replaces lysine, which is basic and polar, with arginine, which is basic and polar, at codon 188 of the MYOM1 protein (p.Lys188Arg).

NM_003803.4(MYOM1):c.563A>G (p.Lys188Arg)

Gene: MYOM1 (myomesin 1; minus strand). Cytogenetic location: 18p11.31.
Variant type: single nucleotide variant.
Coding change: c.563A>G on transcript NM_003803.4 (MANE Select); coding-DNA position 563, A replaced by G.
Protein change: p.Lys188Arg; replaces lysine 188 with arginine.
Molecular consequence: missense variant.
Genome position (GRCh38, 1-based): chr18:3,188,956, T>C on the plus strand (A>G on the coding strand, the complement: MYOM1 is on the minus strand). VCF-style: chr18-3188956-T-C. GRCh37 (hg19) VCF-style: chr18-3188954-T-C.
Other names: c.563A>G, p.Lys188Arg (NM_019856.2); short protein forms K188R.
Identifiers: ClinVar variation 2420960 (VCV002420960.6), dbSNP rs763940085, ClinGen allele CA8875216.
Genomic context (GRCh38, chr18:3,188,956, plus strand): 5'-GACTGCTTGGATGCTGTGGACTGCTTGGATGCCGTGGACTGCTTAGATGCCGTGGTCTGC[T>C]TGGATGCCGTGGACTGTTTAGATGTTGTGATTCCTTCCTCACTAGCAAGAAGATTCCTCT-3'
Protein context (NP_003794.3, residues 178-198): ITTSKQSTAS[Lys188Arg]QTTASKQSTA